The following is an entry in ClinVar:

NM_002691.4(POLD1):c.2701G>T (p.Val901Leu)

Gene: POLD1 (DNA polymerase delta 1, catalytic subunit; plus strand). Cytogenetic location: 19q13.33.
Variant type: single nucleotide variant.
Coding change: c.2701G>T on transcript NM_002691.4 (MANE Select); coding-DNA position 2701, G replaced by T.
Protein change: p.Val901Leu; replaces valine 901 with leucine.
Molecular consequence: missense variant. On other transcripts: non-coding transcript variant (1).
Genome position (GRCh38, 1-based): chr19:50,415,574, G>T. VCF-style: chr19-50415574-G-T. GRCh37 (hg19) VCF-style: chr19-50918831-G-T.
Other names: c.2701G>T, p.Val901Leu (NM_001256849.1); c.2779G>T, p.Val927Leu (NM_001308632.1); short protein forms V901L, V927L.
Identifiers: ClinVar variation 3373676 (VCV003373676.1).

ClinVar aggregate classification (germline): Uncertain significance (1 of 4 stars; one submission).

Submission:

GeneDx
Classification: Uncertain significance. Last evaluated: 2024-03-03. Review status: criteria provided, single submitter. Criteria: GeneDx Variant Classification Process June 2021. Collection method: clinical testing. Allele origin: germline. Affected: yes.
Comment: Not observed at significant frequency in large population cohorts (gnomAD); In silico analysis supports that this missense variant has a deleterious effect on protein structure/function; Has not been previously published as pathogenic or benign to our knowledge